The following is an entry in ClinVar:

NM_001386298.1(CIC):c.6852C>T (p.Thr2284=)

Gene: CIC (capicua transcriptional repressor; plus strand). Cytogenetic location: 19q13.2.
Variant type: single nucleotide variant.
Coding change: c.6852C>T on transcript NM_001386298.1 (MANE Select); coding-DNA position 6852, C replaced by T.
Protein change: p.Thr2284=; no amino-acid change (threonine 2284 retained).
Molecular consequence: synonymous variant.
Genome position (GRCh38, 1-based): chr19:42,294,019, C>T. VCF-style: chr19-42294019-C-T. GRCh37 (hg19) VCF-style: chr19-42798171-C-T.
Other names: c.6852C>T, p.Thr2284= (NM_001304815.2); c.6849C>T, p.Thr2283= (NM_001379480.1, NM_001379482.1, NM_001379483.1); c.4125C>T, p.Thr1375= (NM_001379484.1, NM_015125.5); c.4122C>T, p.Thr1374= (NM_001379485.1).
Identifiers: ClinVar variation 3047883 (VCV003047883.3), dbSNP rs79542158, ClinGen allele CA9472849.

ClinVar aggregate classification (germline): Likely benign. Review status: criteria provided, single submitter (1 of 4 stars). 2 submissions from 2 submitters: Likely benign (1). 1 of the submissions does not count toward it. Last evaluated 2026-09-01.

Conditions:
CIC-related disorder. Also called: CIC-related condition.

Allele frequency attached by ClinVar (database versions not stated): gnomAD exomes 0.00004; ExAC 0.00016; gnomAD 0.00040; TOPMed 0.00042; ESP Exome Variant Server 0.00054; 1000 Genomes Project 0.00100; 1000 Genomes Project 30x 0.00109.
gnomAD v4.1: 124 of 1,613,614 alleles (0.0077%); highest among the groups gnomAD compares: African/African-American, 0.14%; 1 homozygote.

Submissions (2):

CeGaT Center for Human Genetics Tuebingen
Classification: Likely benign. Last evaluated: 2026-09-01. Review status: criteria provided, single submitter. Criteria: CeGaT Center For Human Genetics Tuebingen Variant Classification Criteria Version 2. Collection method: clinical testing. Allele origin: germline. Affected: yes. Observed: 1 variant allele.
Comment: CIC: BP4, BP7, BS1

PreventionGenetics, part of Exact Sciences
Classification: Likely benign for CIC-related condition. Last evaluated: 2024-01-23. Review status: no assertion criteria provided. Collection method: clinical testing. Allele origin: germline. Not counted in ClinVar's aggregate classification.
Comment: This variant is classified as likely benign based on ACMG/AMP sequence variant interpretation guidelines (Richards et al. 2015 PMID: 25741868, with internal and published modifications).